The following is an entry in ClinVar:

NM_005334.3(HCFC1):c.3713G>C (p.Ser1238Thr)

Gene: HCFC1 (host cell factor C1; minus strand). Cytogenetic location: Xq28.
Variant type: single nucleotide variant.
Coding change: c.3713G>C on transcript NM_005334.3 (MANE Select); coding-DNA position 3713, G replaced by C.
Protein change: p.Ser1238Thr; replaces serine 1238 with threonine.
Molecular consequence: missense variant.
Genome position (GRCh38, 1-based): chrX:153,954,686, C>G on the plus strand (G>C on the coding strand, the complement: HCFC1 is on the minus strand). VCF-style: chrX-153954686-C-G. GRCh37 (hg19) VCF-style: chrX-153220137-C-G.
Other names: c.3713G>C, p.Ser1238Thr (NM_001410705.1, NM_001440843.1, NM_001440844.1 and 5 more transcripts); c.3515G>C, p.Ser1172Thr (NM_001440850.1, NM_001440851.1); short protein forms S1172T, S1238T.
Identifiers: ClinVar variation 4849094 (VCV004849094.1).

ClinVar aggregate classification (germline): Uncertain significance (1 of 4 stars; one submission).

Submission:

Women's Health and Genetics/Laboratory Corporation of America, LabCorp
Classification: Uncertain significance. Last evaluated: 2026-04-24. Review status: criteria provided, single submitter. Criteria: LabCorp Variant Classification Summary - May 2015. Collection method: clinical testing. Allele origin: germline.
Comment: Variant summary: HCFC1 c.3713G>C (p.Ser1238Thr) results in a conservative amino acid change in the encoded protein sequence. Algorithms developed to predict the effect of missense changes on protein structure and function all suggest that this variant is likely to be tolerated. The variant was absent in 158981 control chromosomes. The available data on variant occurrences in the general population are insufficient to allow any conclusion about variant significance. To our knowledge, no occurrence of c.3713G>C in individuals affected with HCFC1-related conditions and no experimental evidence demonstrating its impact on protein function have been reported. No submitters have cited clinical-significance assessments for this variant to ClinVar. Based on the evidence outlined above, the variant was classified as uncertain significance.